The following is an entry in ClinVar:

NM_000059.4(BRCA2):c.6008T>G (p.Ile2003Arg)

Gene: BRCA2 (BRCA2 DNA repair associated; plus strand). Cytogenetic location: 13q13.1.
Variant type: single nucleotide variant.
Coding change: c.6008T>G on transcript NM_000059.4 (MANE Select); coding-DNA position 6008, T replaced by G.
Protein change: p.Ile2003Arg; replaces isoleucine 2003 with arginine.
Molecular consequence: missense variant.
Genome position (GRCh38, 1-based): chr13:32,340,363, T>G. VCF-style: chr13-32340363-T-G. GRCh37 (hg19) VCF-style: chr13-32914500-T-G.
Other names: short protein forms I2003R.
Identifiers: ClinVar variation 1041893 (VCV001041893.13), dbSNP rs80358837, ClinGen allele CA387787694.

ClinVar aggregate classification (germline): Conflicting classifications of pathogenicity. Review status: criteria provided, conflicting classifications (1 of 4 stars). 2 submissions from 2 submitters: Uncertain significance (1); Likely benign (1). Last evaluated 2023-03-23.

Conditions:
Hereditary cancer-predisposing syndrome. Also called: Hereditary Cancer Syndrome; Tumor predisposition; Hereditary neoplastic syndrome; Neoplastic Syndromes, Hereditary. Identifiers: Orphanet 140162, MedGen C0027672, MeSH D009386, MONDO:0015356.
Hereditary breast ovarian cancer syndrome. Also called: Hereditary breast and ovarian cancer syndrome (HBOC); Breast and ovarian cancer; Hereditary breast and ovarian cancer syndrome; Hereditary breast and ovarian cancer; Hereditary breast and/or ovarian cancer syndrome; BRCA1- and BRCA2-Associated Hereditary Breast and Ovarian Cancer. Identifiers: Orphanet 145, MedGen C0677776, MeSH D061325, MONDO:0003582. Disease mechanism: loss of function.

Submissions (2):

University of Washington Department of Laboratory Medicine, University of Washington
Classification: Likely benign for Hereditary cancer-predisposing syndrome. Last evaluated: 2023-03-23. Review status: criteria provided, single submitter. Criteria: Dines et al. (Genet Med. 2020). Collection method: curation. Allele origin: germline.
Comment: Missense variant in a coldspot region where missense variants are very unlikely to be pathogenic (PMID:31911673).

BRCA2 exon 11 coldspot. Reclassification based on statistical prior probability.

Labcorp Genetics (formerly Invitae), Labcorp
Classification: Uncertain significance for Hereditary breast ovarian cancer syndrome. Last evaluated: 2020-02-20. Review status: criteria provided, single submitter. Criteria: Invitae Variant Classification Sherloc (09022015). Collection method: clinical testing. Allele origin: germline.
Comment: This sequence change replaces isoleucine with arginine at codon 2003 of the BRCA2 protein (p.Ile2003Arg). The isoleucine residue is moderately conserved and there is a moderate physicochemical difference between isoleucine and arginine. This variant is not present in population databases (ExAC no frequency). This variant has not been reported in the literature in individuals with BRCA2-related conditions. Algorithms developed to predict the effect of missense changes on protein structure and function are either unavailable or do not agree on the potential impact of this missense change (SIFT: "Deleterious"; PolyPhen-2: "Possibly Damaging"; Align-GVGD: "Class C0"). In summary, the available evidence is currently insufficient to determine the role of this variant in disease. Therefore, it has been classified as a Variant of Uncertain Significance.